The following is an entry in ClinVar:

ClinVar aggregate classification (germline): Uncertain significance (1 of 4 stars; one submission).

Submission:

Ambry Genetics
Classification: Uncertain significance. Last evaluated: 2025-05-17. Review status: criteria provided, single submitter. Criteria: Ambry Variant Classification Scheme 2023. Collection method: clinical testing. Allele origin: germline.
Comment: The p.V263L variant (also known as c.787G>C), located in coding exon 6 of the GEN1 gene, results from a G to C substitution at nucleotide position 787. The valine at codon 263 is replaced by leucine, an amino acid with highly similar properties. This amino acid position is conserved. In addition, this alteration is predicted to be tolerated by in silico analysis. Based on the available evidence, the clinical significance of this variant remains unclear.

NM_001130009.3(GEN1):c.787G>C (p.Val263Leu)

Gene: GEN1 (GEN1 Holliday junction 5' flap endonuclease; plus strand). Cytogenetic location: 2p24.2.
Variant type: single nucleotide variant.
Coding change: c.787G>C on transcript NM_001130009.3 (MANE Select); coding-DNA position 787, G replaced by C.
Protein change: p.Val263Leu; replaces valine 263 with leucine.
Molecular consequence: missense variant.
Genome position (GRCh38, 1-based): chr2:17,771,272, G>C. VCF-style: chr2-17771272-G-C. GRCh37 (hg19) VCF-style: chr2-17952539-G-C.
Other names: c.787G>C, p.Val263Leu (NM_182625.5); short protein forms V263L.
Identifiers: ClinVar variation 4029299 (VCV004029299.1).